The following is an entry in ClinVar:

NM_001365951.3(KIF1B):c.4700A>T (p.Asp1567Val)

Gene: KIF1B (kinesin family member 1B; plus strand). Cytogenetic location: 1p36.22.
Variant type: single nucleotide variant.
Coding change: c.4700A>T on transcript NM_001365951.3 (MANE Select); coding-DNA position 4700, A replaced by T.
Protein change: p.Asp1567Val; replaces aspartic acid 1567 with valine.
Molecular consequence: missense variant.
Genome position (GRCh38, 1-based): chr1:10,365,596, A>T. VCF-style: chr1-10365596-A-T. GRCh37 (hg19) VCF-style: chr1-10425654-A-T.
Other names: c.4700A>T, p.Asp1567Val (NM_001365952.1); c.4562A>T, p.Asp1521Val (NM_015074.3); short protein forms D1567V, D1521V.
Identifiers: ClinVar variation 1741499 (VCV001741499.6), dbSNP rs1638548645, ClinGen allele CA338322381.

ClinVar aggregate classification (germline): Uncertain significance. Review status: criteria provided, multiple submitters, no conflicts (2 of 4 stars). 2 submissions from 2 submitters: Uncertain significance (2). Last evaluated 2025-05-05.

Conditions:
Charcot-Marie-Tooth disease type 2. Also called: Charcot-Marie-Tooth type 2. Identifiers: Orphanet 64746, MedGen C0270914, MONDO:0018993.

Allele frequency attached by ClinVar (database versions not stated): gnomAD 0.00001; gnomAD exomes below 0.00001; TOPMed below 0.00001.
gnomAD v4.1: 2 of 1,614,028 alleles (0.00012%); highest among the groups gnomAD compares: Non-Finnish European, 0.00017%; no homozygotes.

Submissions (2):

Ambry Genetics
Classification: Uncertain significance. Last evaluated: 2025-05-05. Review status: criteria provided, single submitter. Criteria: Ambry Variant Classification Scheme 2023. Collection method: clinical testing. Allele origin: germline.
Comment: The p.D1521V variant (also known as c.4562A>T), located in coding exon 40 of the KIF1B gene, results from an A to T substitution at nucleotide position 4562. The aspartic acid at codon 1521 is replaced by valine, an amino acid with highly dissimilar properties. This amino acid position is conserved. In addition, the in silico prediction for this alteration is inconclusive. Since supporting evidence is limited at this time, the clinical significance of this alteration remains unclear.

Labcorp Genetics (formerly Invitae), Labcorp
Classification: Uncertain significance for Charcot-Marie-Tooth disease type 2. Last evaluated: 2024-03-07. Review status: criteria provided, single submitter. Criteria: Invitae Variant Classification Sherloc (09022015). Collection method: clinical testing. Allele origin: germline.
Comment: This sequence change replaces aspartic acid, which is acidic and polar, with valine, which is neutral and non-polar, at codon 1521 of the KIF1B protein (p.Asp1521Val). This variant is not present in population databases (gnomAD no frequency). This variant has not been reported in the literature in individuals affected with KIF1B-related conditions. ClinVar contains an entry for this variant (Variation ID: 1741499). An algorithm developed to predict the effect of missense changes on protein structure and function (PolyPhen-2) suggests that this variant is likely to be disruptive. In summary, the available evidence is currently insufficient to determine the role of this variant in disease. Therefore, it has been classified as a Variant of Uncertain Significance.